The following is an entry in ClinVar:

NM_001099289.3(SH3RF3):c.231C>G (p.Phe77Leu)

Genes: RANBP2 (RAN binding protein 2; plus strand), SH3RF3 (SH3 domain containing ring finger 3; plus strand), SH3RF3-AS1 (SH3RF3 antisense RNA 1; minus strand). Cytogenetic location: 2q13.
Variant type: single nucleotide variant.
Coding change: c.231C>G on transcript NM_001099289.3 (MANE Select); coding-DNA position 231, C replaced by G.
Protein change: p.Phe77Leu; replaces phenylalanine 77 with leucine.
Molecular consequence: missense variant. On other transcripts: non-coding transcript variant (1).
Genome position (GRCh38, 1-based): chr2:109,129,771, C>G. VCF-style: chr2-109129771-C-G. GRCh37 (hg19) VCF-style: chr2-109746227-C-G.
Other names: short protein forms F77L.
Identifiers: ClinVar variation 3161418 (VCV003161418.1), dbSNP rs765359868, ClinGen allele CA348118292.
Genomic context (GRCh38, chr2:109,129,771, plus strand): 5'-CTCCGTGTGTCTGGAGCGCCTGGACACCACGGCCAAGGTGCTGCCATGCCAACACACTTT[C>G]TGCCGCCGCTGCCTGGAGAGCATCGTGTGCTCGCGCCACGAGCTGCGCTGCCCCGAGTGC-3'
Protein context (NP_001092759.1, residues 67-87): TAKVLPCQHT[Phe77Leu]CRRCLESIVC

ClinVar aggregate classification (germline): Uncertain significance (1 of 4 stars; one submission).

Submission:

Ambry Genetics
Classification: Uncertain significance. Last evaluated: 2023-12-16. Review status: criteria provided, single submitter. Criteria: Ambry Variant Classification Scheme 2023. Collection method: clinical testing. Allele origin: germline.
Comment: The c.231C>G (p.F77L) alteration is located in exon (coding exon ) of the SH3RF3 gene. This alteration results from a C to G substitution at nucleotide position 231, causing the phenylalanine (F) at amino acid position 77 to be replaced by a leucine (L). Based on insufficient or conflicting evidence, the clinical significance of this alteration remains unclear.